The following is an entry in ClinVar:

NM_000222.3(KIT):c.1230T>C (p.Asn410=)

Gene: KIT (KIT proto-oncogene, receptor tyrosine kinase; plus strand). Cytogenetic location: 4q12.
Variant type: single nucleotide variant.
Coding change: c.1230T>C on transcript NM_000222.3 (MANE Select); coding-DNA position 1230, T replaced by C.
Protein change: p.Asn410=; no amino-acid change (asparagine 410 retained).
Molecular consequence: synonymous variant.
Genome position (GRCh38, 1-based): chr4:54,709,538, T>C. VCF-style: chr4-54709538-T-C. GRCh37 (hg19) VCF-style: chr4-55575704-T-C.
Other names: c.1230T>C, p.Asn410= (NM_001093772.2, NM_001385285.1, NM_001385286.1); c.1233T>C, p.Asn411= (NM_001385284.1, NM_001385288.1, NM_001385290.1 and 1 more transcripts).
Identifiers: ClinVar variation 409786 (VCV000409786.18), dbSNP rs140536677, ClinGen allele CA2923412.

ClinVar aggregate classification (germline): Likely benign. Review status: criteria provided, multiple submitters, no conflicts (2 of 4 stars). 3 submissions from 3 submitters: Likely benign (2). 1 of the submissions does not count toward it. Last evaluated 2026-02-04.

Conditions:
Gastrointestinal stromal tumor. Also called: Gastrointestinal stroma tumor; Gastrointestinal stromal tumor, somatic. Identifiers: Orphanet 44890, MedGen C0238198, MeSH D046152, MONDO:0011719, OMIM 606764, HP:0100723.
Hereditary cancer-predisposing syndrome. Also called: Neoplastic Syndromes, Hereditary; Hereditary Cancer Syndrome; Hereditary neoplastic syndrome; Tumor predisposition. Identifiers: Orphanet 140162, MedGen C0027672, MeSH D009386, MONDO:0015356.
KIT-related disorder. Also called: KIT-related condition.

Allele frequency attached by ClinVar (database versions not stated): gnomAD 0.00016 and 0.00017; 1000 Genomes Project 0.00020; TOPMed 0.00022; 1000 Genomes Project 30x 0.00031; ESP Exome Variant Server 0.00038; gnomAD exomes 0.00002 and 0.00006; ExAC 0.00006.
gnomAD v4.1: 58 of 1,571,286 alleles (0.0037%); highest among the groups gnomAD compares: African/African-American, 0.071%; no homozygotes.

Submissions (3):

Labcorp Genetics (formerly Invitae), Labcorp
Classification: Likely benign for Gastrointestinal stromal tumor. Last evaluated: 2026-02-04. Review status: criteria provided, single submitter. Criteria: Invitae Variant Classification Sherloc (09022015). Collection method: clinical testing. Allele origin: germline.

Ambry Genetics
Classification: Likely benign for Hereditary cancer-predisposing syndrome. Last evaluated: 2019-06-02. Review status: criteria provided, single submitter. Criteria: Ambry Variant Classification Scheme 2023. Collection method: clinical testing. Allele origin: germline.

PreventionGenetics, part of Exact Sciences
Classification: Likely benign for KIT-related condition. Last evaluated: 2021-11-08. Review status: no assertion criteria provided. Collection method: clinical testing. Allele origin: germline. Not counted in ClinVar's aggregate classification.
Comment: This variant is classified as likely benign based on ACMG/AMP sequence variant interpretation guidelines (Richards et al. 2015 PMID: 25741868, with internal and published modifications).